The following is an entry in ClinVar:

NM_024642.5(GALNT12):c.1721G>C (p.Trp574Ser)

Gene: GALNT12 (polypeptide N-acetylgalactosaminyltransferase 12; plus strand). Cytogenetic location: 9q22.33.
Variant type: single nucleotide variant.
Coding change: c.1721G>C on transcript NM_024642.5 (MANE Select); coding-DNA position 1721, G replaced by C.
Protein change: p.Trp574Ser; replaces tryptophan 574 with serine.
Molecular consequence: missense variant.
Genome position (GRCh38, 1-based): chr9:98,849,067, G>C. VCF-style: chr9-98849067-G-C. GRCh37 (hg19) VCF-style: chr9-101611349-G-C.
Other names: short protein forms W574S.
Identifiers: ClinVar variation 1778777 (VCV001778777.2), dbSNP rs780798931, ClinGen allele CA5154354.

ClinVar aggregate classification (germline): Uncertain significance (1 of 4 stars; one submission).

Allele frequency attached by ClinVar (database versions not stated): gnomAD exomes below 0.00001; ExAC 0.00001.
gnomAD v4.1: 5 of 1,614,198 alleles (0.00031%); highest among the groups gnomAD compares: South Asian, 0.0011%; no homozygotes.

Submission:

Ambry Genetics
Classification: Uncertain significance. Last evaluated: 2020-08-17. Review status: criteria provided, single submitter. Criteria: Ambry Variant Classification Scheme 2023. Collection method: clinical testing. Allele origin: germline.
Comment: The p.W574S variant (also known as c.1721G>C), located in coding exon 10 of the GALNT12 gene, results from a G to C substitution at nucleotide position 1721. The tryptophan at codon 574 is replaced by serine, an amino acid with highly dissimilar properties. This amino acid position is highly conserved in available vertebrate species. In addition, this alteration is predicted to be deleterious by in silico analysis. Since supporting evidence is limited at this time, the clinical significance of this alteration remains unclear.